The following is an entry in ClinVar:

NM_031407.7(HUWE1):c.2762C>T (p.Ser921Phe)

Gene: HUWE1 (HECT, UBA and WWE domain containing E3 ubiquitin protein ligase 1; minus strand). Cytogenetic location: Xp11.22.
Variant type: single nucleotide variant.
Coding change: c.2762C>T on transcript NM_031407.7 (MANE Select); coding-DNA position 2762, C replaced by T.
Protein change: p.Ser921Phe; replaces serine 921 with phenylalanine.
Molecular consequence: missense variant.
Genome position (GRCh38, 1-based): chrX:53,603,482, G>A on the plus strand (C>T on the coding strand, the complement: HUWE1 is on the minus strand). VCF-style: chrX-53603482-G-A. GRCh37 (hg19) VCF-style: chrX-53630443-G-A.
Other names: short protein forms S921F.
Identifiers: ClinVar variation 450049 (VCV000450049.2), dbSNP rs1556993423, ClinGen allele CA413180722.

ClinVar aggregate classification (germline): Uncertain significance (1 of 4 stars; one submission).

Submission:

GeneDx
Classification: Uncertain significance. Last evaluated: 2018-02-13. Review status: criteria provided, single submitter. Criteria: GeneDx Variant Classification (06012015). Collection method: clinical testing. Allele origin: germline. Affected: yes.
Comment: The S921F variant in the HUWE1 gene has not been reported previously as a pathogenic variant, nor as a benign variant, to our knowledge. The S921F variant is not observed in large population cohorts (Lek et al., 2016). The S921F variant is a non-conservative amino acid substitution, which is likely to impact secondary protein structure as these residues differ in polarity, charge, size and/or other properties. This substitution occurs at a position that is conserved across species. In silico analysis predicts this variant is probably damaging to the protein structure/function. We interpret S921F as a variant of uncertain significance.